The following is an entry in ClinVar:

NM_004360.5(CDH1):c.2231C>T (p.Pro744Leu)

Gene: CDH1 (cadherin 1; plus strand). Cytogenetic location: 16q22.1.
Variant type: single nucleotide variant.
Coding change: c.2231C>T on transcript NM_004360.5 (MANE Select); coding-DNA position 2231, C replaced by T.
Protein change: p.Pro744Leu; replaces proline 744 with leucine.
Molecular consequence: missense variant.
Genome position (GRCh38, 1-based): chr16:68,828,240, C>T. VCF-style: chr16-68828240-C-T. GRCh37 (hg19) VCF-style: chr16-68862143-C-T.
Other names: c.2048C>T, p.Pro683Leu (NM_001317184.2); c.683C>T, p.Pro228Leu (NM_001317185.2); c.266C>T, p.Pro89Leu (NM_001317186.2); c.2231C>T (LRG_301t1); short protein forms P744L, P228L, P89L, P683L.
Identifiers: ClinVar variation 406661 (VCV000406661.22), dbSNP rs1001200905, ClinGen allele CA16614994.

ClinVar aggregate classification (germline): Conflicting classifications of pathogenicity. Review status: criteria provided, conflicting classifications (1 of 4 stars). 5 submissions from 5 submitters: Uncertain significance (4); Likely benign (1). Last evaluated 2025-11-14.

Conditions:
Hereditary cancer-predisposing syndrome. Also called: Tumor predisposition; Neoplastic Syndromes, Hereditary; Hereditary Cancer Syndrome; Hereditary neoplastic syndrome. Identifiers: Orphanet 140162, MedGen C0027672, MeSH D009386, MONDO:0015356.
Hereditary diffuse gastric adenocarcinoma (HDGC). Also called: DIFFUSE GASTRIC AND LOBULAR BREAST CANCER SYNDROME. Identifiers: Orphanet 26106, MedGen C1708349, MONDO:0007648, OMIM 137215.

Allele frequency attached by ClinVar (database versions not stated): TOPMed below 0.00001.

Submissions (5):

Labcorp Genetics (formerly Invitae), Labcorp
Classification: Uncertain significance for Hereditary diffuse gastric adenocarcinoma. Last evaluated: 2025-11-14. Review status: criteria provided, single submitter. Criteria: Invitae Variant Classification Sherloc (09022015). Collection method: clinical testing. Allele origin: germline.
Comment: This sequence change replaces proline, which is neutral and non-polar, with leucine, which is neutral and non-polar, at codon 744 of the CDH1 protein (p.Pro744Leu). This variant is not present in population databases (gnomAD no frequency). This variant has not been reported in the literature in individuals affected with CDH1-related conditions. ClinVar contains an entry for this variant (Variation ID: 406661). An algorithm developed to predict the effect of missense changes on protein structure and function (PolyPhen-2) suggests that this variant is likely to be disruptive. In summary, the available evidence is currently insufficient to determine the role of this variant in disease. Therefore, it has been classified as a Variant of Uncertain Significance.

Ambry Genetics
Classification: Likely benign for Hereditary cancer-predisposing syndrome. Last evaluated: 2025-07-30. Review status: criteria provided, single submitter. Criteria: Ambry Variant Classification Scheme 2023. Collection method: clinical testing. Allele origin: germline.

Quest Diagnostics Nichols Institute San Juan Capistrano
Classification: Uncertain significance. Last evaluated: 2025-05-14. Review status: criteria provided, single submitter. Criteria: Quest Diagnostics criteria. Collection method: clinical testing. Allele origin: unknown.
Comment: The CDH1 c.2231C>T (p.Pro744Leu) variant has been reported in the published literature in an individual with premalignant colorectal neoplasia (PMID: 31781186 (2019)). This variant has not been reported in large, multi-ethnic general populations (Genome Aggregation Database). Analysis of this variant using bioinformatics tools for the prediction of the effect of amino acid changes on protein structure and function yielded conflicting predictions that this variant is benign or damaging. Based on the available information, we are unable to determine the clinical significance of this variant.

Color Diagnostics, LLC DBA Color Health
Classification: Uncertain significance for Hereditary cancer-predisposing syndrome. Last evaluated: 2024-06-13. Review status: criteria provided, single submitter. Criteria: ACMG Guidelines, 2015. Collection method: clinical testing. Allele origin: germline.
Comment: This missense variant replaces proline with leucine at codon 744 of the CDH1 protein. To our knowledge, functional studies have not been reported for this variant. This variant has not been reported in individuals affected with CDH1-related disorders in the literature. This variant has not been identified in the general population by the Genome Aggregation Database (gnomAD). The available evidence is insufficient to determine the role of this variant in disease conclusively. Therefore, this variant is classified as a Variant of Uncertain Significance.

Women's Health and Genetics/Laboratory Corporation of America, LabCorp
Classification: Uncertain significance. Last evaluated: 2020-10-05. Review status: criteria provided, single submitter. Criteria: LabCorp Variant Classification Summary - May 2015. Collection method: clinical testing. Allele origin: germline.
Comment: Variant summary: CDH1 c.2231C>T (p.Pro744Leu) results in a non-conservative amino acid change located in the Cadherin, cytoplasmic domain (IPR000233) of the encoded protein sequence. Five of five in-silico tools predict a damaging effect of the variant on protein function. The variant was absent in 251472 control chromosomes. The available data on variant occurrences in the general population are insufficient to allow any conclusion about variant significance. To our knowledge, no occurrence of c.2231C>T in individuals affected with Hereditary Diffuse Gastric Cancer and no experimental evidence demonstrating its impact on protein function have been reported. Three clinical diagnostic laboratories have submitted clinical-significance assessments for this variant to ClinVar after 2014 without evidence for independent evaluation. All laboratories classified the variant as uncertain significance. Based on the evidence outlined above, the variant was classified as uncertain significance.

Literature cited by the submitters: PubMed 31781186 (cited by Quest Diagnostics Nichols Institute San Juan Capistrano).